The following is an entry in ClinVar:

GRCh37/hg19 10p15.1(chr10:5025476-5049453)x3

Gene: AKR1C2 (aldo-keto reductase family 1 member C2; minus strand). Cytogenetic location: 10p15.1.
Variant type: copy number gain.
Change: copy number 3 (three copies instead of two) of chr10:5,025,476-5,049,453 (24.0 kb, GRCh37 coordinates, 1-based), cytogenetic band 10p15.1.
Identifiers: ClinVar variation 394668 (VCV000394668.3).

ClinVar aggregate classification (germline): Benign/Likely benign (0 of 4 stars; one submission).

Submission:

ISCA Site 6
Classification: Benign/Likely benign. Review status: no assertion criteria provided. Collection method: clinical testing. Allele origin: unknown. Affected: yes. Observed: 3 variant alleles. Clinical features observed: Developmental delay AND/OR other significant developmental or morphological phenotypes.
Comment: Likely benign (2), Benign (1)

Copy number variation identified through the course of routine clinical cytogenomic testing in postnatal populations, with clinical assertions as classified by the original submitter. For data from the original published study, Kaminsky, et al. 2011 (PubMed 21844811), please see nstd101.